The following is an entry in ClinVar:

ClinVar aggregate classification (germline): Likely benign (1 of 4 stars; one submission).

Allele frequency attached by ClinVar (database versions not stated): gnomAD 0.00002; TOPMed 0.00002.
gnomAD v4.1: 50 of 1,571,978 alleles (0.0032%); highest among the groups gnomAD compares: Middle Eastern, 0.53%; 1 homozygote.

Submission:

CeGaT Center for Human Genetics Tuebingen
Classification: Likely benign. Last evaluated: 2022-08-01. Review status: criteria provided, single submitter. Criteria: CeGaT Center For Human Genetics Tuebingen Variant Classification Criteria Version 2. Collection method: clinical testing. Allele origin: germline. Affected: yes. Observed: 1 variant allele.
Comment: LRIT1: BP4, BP7

NM_015613.3(LRIT1):c.867G>A (p.Arg289=)

Gene: LRIT1 (leucine rich repeat, Ig-like and transmembrane domains 1; minus strand). Cytogenetic location: 10q23.1.
Variant type: single nucleotide variant.
Coding change: c.867G>A on transcript NM_015613.3 (MANE Select); coding-DNA position 867, G replaced by A.
Protein change: p.Arg289=; no amino-acid change (arginine 289 retained).
Molecular consequence: synonymous variant.
Genome position (GRCh38, 1-based): chr10:84,234,101, C>T on the plus strand (G>A on the coding strand, the complement: LRIT1 is on the minus strand). VCF-style: chr10-84234101-C-T. GRCh37 (hg19) VCF-style: chr10-85993857-C-T.
Identifiers: ClinVar variation 1711261 (VCV001711261.30), dbSNP rs868164742, ClinGen allele CA210397434.
Genomic context (GRCh38, chr10:84,234,101, plus strand): 5'-TTCTCAGTGCAGCATCCCTGTAGCTCACATACCTGTACCATTAAGGGGCCTGCCATTGGC[C>T]CTCCTCCAGCTCATCTCGGGCCCAGGGACTCCAGTAGCTCCACAGCGTAGCAGTGCTGTG-3'
Protein context (NP_056428.1, residues 279-299): GVPGPEMSWR[Arg289=]ANGRPLNGTV